The following is an entry in ClinVar:

ClinVar aggregate classification (germline): Uncertain significance (1 of 4 stars; one submission).

Conditions:
Immunodeficiency 39 (IMD39). Identifiers: Orphanet 574918, MedGen C4225358, MONDO:0014597, OMIM 616345.

Allele frequency attached by ClinVar (database versions not stated): ExAC 0.00002; gnomAD exomes 0.00001; gnomAD 0.00009; TOPMed 0.00003.

Submission:

Labcorp Genetics (formerly Invitae), Labcorp
Classification: Uncertain significance for Immunodeficiency 39. Last evaluated: 2025-10-21. Review status: criteria provided, single submitter. Criteria: Invitae Variant Classification Sherloc (09022015). Collection method: clinical testing. Allele origin: germline.
Comment: This sequence change affects codon 195 of the IRF7 mRNA. It is a 'silent' change, meaning that it does not change the encoded amino acid sequence of the IRF7 protein. This variant is present in population databases (rs753900061, gnomAD 0.02%). This variant has not been reported in the literature in individuals affected with IRF7-related conditions. ClinVar contains an entry for this variant (Variation ID: 2739048). Algorithms developed to predict the effect of sequence changes on RNA splicing suggest that this variant may create or strengthen a splice site. In summary, the available evidence is currently insufficient to determine the role of this variant in disease. Therefore, it has been classified as a Variant of Uncertain Significance.

NM_001572.5(IRF7):c.546C>T (p.Leu182=)

Gene: IRF7 (interferon regulatory factor 7; minus strand). Cytogenetic location: 11p15.5.
Variant type: single nucleotide variant.
Coding change: c.546C>T on transcript NM_001572.5 (MANE Select); coding-DNA position 546, C replaced by T.
Protein change: p.Leu182=; no amino-acid change (leucine 182 retained).
Molecular consequence: synonymous variant.
Genome position (GRCh38, 1-based): chr11:614,307, G>A on the plus strand (C>T on the coding strand, the complement: IRF7 is on the minus strand). VCF-style: chr11-614307-G-A. GRCh37 (hg19) VCF-style: chr11-614307-G-A.
Other names: c.546C>T, p.Leu182= (NM_004029.4); c.585C>T, p.Leu195= (NM_004031.4).
Identifiers: ClinVar variation 2739048 (VCV002739048.3), dbSNP rs753900061, ClinGen allele CA5783915.